The following is an entry in ClinVar:

ClinVar aggregate classification (germline): Uncertain significance (1 of 4 stars; one submission).

Allele frequency attached by ClinVar (database versions not stated): gnomAD 0.00001; gnomAD exomes 0.00003; ExAC 0.00007.
gnomAD v4.1: 25 of 1,579,368 alleles (0.0016%); highest among the groups gnomAD compares: South Asian, 0.0023%; no homozygotes.

Submission:

Labcorp Genetics (formerly Invitae), Labcorp
Classification: Uncertain significance. Last evaluated: 2021-06-06. Review status: criteria provided, single submitter. Criteria: Invitae Variant Classification Sherloc (09022015). Collection method: clinical testing. Allele origin: germline.
Comment: Experimental studies have shown that this variant affects FAM20C protein function (PMID: 25026495, 25789606, 25936777). This variant has been observed in individual(s) with clinical features of FAM20C-related conditions (PMID: 23325605). This variant is present in population databases (rs778899041, ExAC 0.01%). This sequence change replaces threonine with methionine at codon 268 of the FAM20C protein (p.Thr268Met). The threonine residue is moderately conserved and there is a moderate physicochemical difference between threonine and methionine. In summary, the available evidence is currently insufficient to determine the role of this variant in disease. Therefore, it has been classified as a Variant of Uncertain Significance.

Literature cited by the submitters: PubMed 25026495; PubMed 25789606; PubMed 25936777; PubMed 23325605.

NM_020223.4(FAM20C):c.803C>T (p.Thr268Met)

Gene: FAM20C (FAM20C golgi associated secretory pathway kinase; plus strand). Cytogenetic location: 7p22.3.
Variant type: single nucleotide variant.
Coding change: c.803C>T on transcript NM_020223.4 (MANE Select); coding-DNA position 803, C replaced by T.
Protein change: p.Thr268Met; replaces threonine 268 with methionine.
Molecular consequence: missense variant.
Genome position (GRCh38, 1-based): chr7:208,916, C>T. VCF-style: chr7-208916-C-T. GRCh37 (hg19) VCF-style: chr7-208916-C-T.
Other names: short protein forms T268M.
Identifiers: ClinVar variation 1490218 (VCV001490218.8), dbSNP rs778899041, ClinGen allele CA4109012.